The following is an entry in ClinVar:

ClinVar aggregate classification (germline): Conflicting classifications of pathogenicity. Review status: criteria provided, conflicting classifications (1 of 4 stars). 6 submissions from 6 submitters: Likely pathogenic (2); Uncertain significance (4). Last evaluated 2025-07-21.

Conditions:
Dyskeratosis congenita, autosomal dominant 2. Identifiers: MedGen C3151443, MONDO:0013521, OMIM 613989.
Idiopathic Pulmonary Fibrosis. Also called: Idiopathic fibrosing alveolitis, chronic form; idiopathic fibrosing alveolitis. Identifiers: Orphanet 2032, MedGen C1800706, MeSH D054990, MONDO:0800504.
Myelodysplasia. Identifiers: MedGen C0026985, HP:0002863.
Dyskeratosis congenita. Identifiers: Orphanet 1775, MedGen C0265965, MONDO:0015780.

Submissions (6):

Ambry Genetics
Classification: Uncertain significance for Dyskeratosis congenita. Last evaluated: 2025-07-21. Review status: criteria provided, single submitter. Criteria: Ambry Variant Classification Scheme 2023. Collection method: clinical testing. Allele origin: germline.
Comment: The p.V664L variant (also known as c.1990G>C), located in coding exon 5 of the TERT gene, results from a G to C substitution at nucleotide position 1990. The valine at codon 664 is replaced by leucine, an amino acid with highly similar properties. This variant was identified in a multiple relatives within a family with a history of TERT-related disorders (Feurstein S et al. Blood Adv, 2020 Oct;4:4873-4886). This variant was reported homozygous in 1 of 167 individuals with a suspected classified inherited bone marrow failure syndrome (G&aacute;lvez E et al. Hemasphere, 2021 Apr;5:e539). In addition, the in silico prediction for this alteration is inconclusive. Based on the available evidence, the clinical significance of this variant remains unclear.

CeGaT Center for Human Genetics Tuebingen
Classification: Uncertain significance. Last evaluated: 2023-10-01. Review status: criteria provided, single submitter. Criteria: CeGaT Center For Human Genetics Tuebingen Variant Classification Criteria Version 2. Collection method: clinical testing. Allele origin: germline. Affected: yes. Observed: 1 variant allele.
Comment: TERT: PM2, PM5

GeneDx
Classification: Uncertain significance. Last evaluated: 2023-02-17. Review status: criteria provided, single submitter. Criteria: GeneDx Variant Classification Process June 2021. Collection method: clinical testing. Allele origin: germline. Affected: yes.
Comment: Not observed at significant frequency in large population cohorts (gnomAD); In silico analysis supports that this missense variant does not alter protein structure/function; This variant is associated with the following publications: (PMID: 35106810, 31426295, 29463756, 33718801, 33035329)

Labcorp Genetics (formerly Invitae), Labcorp
Classification: Uncertain significance for Dyskeratosis congenita, autosomal dominant 2; Idiopathic Pulmonary Fibrosis. Last evaluated: 2021-11-18. Review status: criteria provided, single submitter. Criteria: Invitae Variant Classification Sherloc (09022015). Collection method: clinical testing. Allele origin: germline.
Comment: In summary, the available evidence is currently insufficient to determine the role of this variant in disease. Therefore, it has been classified as a Variant of Uncertain Significance. Algorithms developed to predict the effect of missense changes on protein structure and function are either unavailable or do not agree on the potential impact of this missense change (SIFT: "Deleterious"; PolyPhen-2: "Benign"; Align-GVGD: "Class C0"). ClinVar contains an entry for this variant (Variation ID: 212400). This missense change has been observed in individual(s) with unspecified short telomere phenotype or suspected of having an inherited bone marrow failure syndrome (PMID: 29463756, 33718801). This variant is not present in population databases (gnomAD no frequency). This sequence change replaces valine, which is neutral and non-polar, with leucine, which is neutral and non-polar, at codon 664 of the TERT protein (p.Val664Leu).

Godley laboratory, The University of Chicago
Classification: Likely pathogenic for Myelodysplasia. Last evaluated: 2020-05-18. Review status: criteria provided, single submitter. Criteria: ACMG Guidelines, 2015. Collection method: clinical testing. Allele origin: germline. Inheritance: Autosomal dominant inheritance. Affected: yes. Observed: 1 heterozygote.
Comment: The following ACMG/AMP criteria were used: PS4_moderate, PM2, PM1, PP1, PP2.

Genetic Services Laboratory, University of Chicago
Classification: Likely pathogenic for Dyskeratosis congenita, autosomal dominant 2. Last evaluated: 2016-01-15. Review status: criteria provided, single submitter. Criteria: ACMG Guidelines, 2015. Collection method: clinical testing. Allele origin: germline. Affected: yes.

Literature cited by the submitters: PubMed 33035329 (cited by Ambry Genetics); PubMed 33718801 (cited by Ambry Genetics and Labcorp Genetics (formerly Invitae), Labcorp); PubMed 29463756 (cited by Labcorp Genetics (formerly Invitae), Labcorp and Godley laboratory, The University of Chicago).

NM_198253.3(TERT):c.1990G>C (p.Val664Leu)

Gene: TERT (telomerase reverse transcriptase; minus strand). Cytogenetic location: 5p15.33.
Variant type: single nucleotide variant.
Coding change: c.1990G>C on transcript NM_198253.3 (MANE Select); coding-DNA position 1990, G replaced by C.
Protein change: p.Val664Leu; replaces valine 664 with leucine.
Molecular consequence: missense variant. On other transcripts: non-coding transcript variant (2).
Genome position (GRCh38, 1-based): chr5:1,279,431, C>G on the plus strand (G>C on the coding strand, the complement: TERT is on the minus strand). VCF-style: chr5-1279431-C-G. GRCh37 (hg19) VCF-style: chr5-1279546-C-G.
Other names: c.1990G>C, p.Val664Leu (NM_001193376.3); short protein forms V664L.
Identifiers: ClinVar variation 212400 (VCV000212400.76), dbSNP rs797046042, ClinGen allele CA208776.